The following is an entry in ClinVar:

NM_002439.5(MSH3):c.566A>T (p.Gln189Leu)

Gene: MSH3 (mutS homolog 3; plus strand). Cytogenetic location: 5q14.1.
Variant type: single nucleotide variant.
Coding change: c.566A>T on transcript NM_002439.5 (MANE Select); coding-DNA position 566, A replaced by T.
Protein change: p.Gln189Leu; replaces glutamine 189 with leucine.
Molecular consequence: missense variant.
Genome position (GRCh38, 1-based): chr5:80,665,350, A>T. VCF-style: chr5-80665350-A-T. GRCh37 (hg19) VCF-style: chr5-79961169-A-T.
Other names: c.566A>T (NM_002439.3); short protein forms Q189L.
Identifiers: ClinVar variation 946138 (VCV000946138.11), dbSNP rs1749547306, ClinGen allele CA360264578.

ClinVar aggregate classification (germline): Uncertain significance. Review status: criteria provided, multiple submitters, no conflicts (2 of 4 stars). 3 submissions from 3 submitters: Uncertain significance (3). Last evaluated 2024-12-09.

Conditions:
Hereditary cancer-predisposing syndrome. Also called: Neoplastic Syndromes, Hereditary; Hereditary Cancer Syndrome; Tumor predisposition; Hereditary neoplastic syndrome. Identifiers: Orphanet 140162, MedGen C0027672, MeSH D009386, MONDO:0015356.

Submissions (3):

GeneDx
Classification: Uncertain significance. Last evaluated: 2024-12-09. Review status: criteria provided, single submitter. Criteria: GeneDx Variant Classification Process June 2021. Collection method: clinical testing. Allele origin: germline. Affected: yes.
Comment: Not observed at significant frequency in large population cohorts (gnomAD); In silico analysis indicates that this missense variant does not alter protein structure/function; Has not been previously published as pathogenic or benign to our knowledge

Ambry Genetics
Classification: Uncertain significance for Hereditary cancer-predisposing syndrome. Last evaluated: 2024-01-21. Review status: criteria provided, single submitter. Criteria: Ambry Variant Classification Scheme 2023. Collection method: clinical testing. Allele origin: germline.
Comment: The p.Q189L variant (also known as c.566A>T), located in coding exon 3 of the MSH3 gene, results from an A to T substitution at nucleotide position 566. The glutamine at codon 189 is replaced by leucine, an amino acid with dissimilar properties. This amino acid position is conserved. In addition, this alteration is predicted to be tolerated by in silico analysis. Based on the available evidence, the clinical significance of this alteration remains unclear.

Labcorp Genetics (formerly Invitae), Labcorp
Classification: Uncertain significance. Last evaluated: 2023-11-17. Review status: criteria provided, single submitter. Criteria: Invitae Variant Classification Sherloc (09022015). Collection method: clinical testing. Allele origin: germline.
Comment: This sequence change replaces glutamine, which is neutral and polar, with leucine, which is neutral and non-polar, at codon 189 of the MSH3 protein (p.Gln189Leu). This variant is not present in population databases (gnomAD no frequency). This variant has not been reported in the literature in individuals affected with MSH3-related conditions. ClinVar contains an entry for this variant (Variation ID: 946138). An algorithm developed to predict the effect of missense changes on protein structure and function (PolyPhen-2) suggests that this variant is likely to be tolerated. In summary, the available evidence is currently insufficient to determine the role of this variant in disease. Therefore, it has been classified as a Variant of Uncertain Significance.